The following is an entry in ClinVar:

ClinVar aggregate classification (germline): Uncertain significance (1 of 4 stars; one submission).

Conditions:
Ullrich congenital muscular dystrophy 2 (UCMD2). Identifiers: Orphanet 75840, MedGen C4225314, MONDO:0014654, OMIM 616470.
Bethlem myopathy 2 (BTHLM2). Identifiers: Orphanet 536516, Orphanet 610, MedGen C4225313, MONDO:0034022, OMIM 616471.

Submissions (2):

Labcorp Genetics (formerly Invitae), Labcorp
Classification: Uncertain significance for Bethlem myopathy 2; Ullrich congenital muscular dystrophy 2. Last evaluated: 2019-08-08. Review status: criteria provided, single submitter. Criteria: Invitae Variant Classification Sherloc (09022015). Collection method: clinical testing. Allele origin: germline.
Comment: This sequence change replaces glycine with tryptophan at codon 2774 of the COL12A1 protein (p.Gly2774Trp). The glycine residue is highly conserved and there is a large physicochemical difference between glycine and tryptophan. This variant is not present in population databases (ExAC no frequency). This variant has not been reported in the literature in individuals with COL12A1-related conditions. Algorithms developed to predict the effect of missense changes on protein structure and function are either unavailable or do not agree on the potential impact of this missense change (SIFT: "Deleterious"; PolyPhen-2: "Probably Damaging"; Align-GVGD: "Class C15"). Algorithms developed to predict the effect of sequence changes on RNA splicing suggest that this variant may disrupt the consensus splice site, but this prediction has not been confirmed by published transcriptional studies. In summary, the available evidence is currently insufficient to determine the role of this variant in disease. Therefore, it has been classified as a Variant of Uncertain Significance.

Dr. Peter K. Rogan Lab, Western University
No classification provided (evidence only). Condition: Thyroid cancer, nonmedullary, 1. Review status: no classification provided. Collection method: in vitro. Allele origin: not applicable. Functional consequence: retained intron. Not counted in ClinVar's aggregate classification.

NM_004370.6(COL12A1):c.8320G>T (p.Gly2774Trp)

Gene: COL12A1 (collagen type XII alpha 1 chain; minus strand). Cytogenetic location: 6q13.
Variant type: single nucleotide variant.
Coding change: c.8320G>T on transcript NM_004370.6 (MANE Select); coding-DNA position 8320, G replaced by T.
Protein change: p.Gly2774Trp; replaces glycine 2774 with tryptophan.
Molecular consequence: missense variant.
Genome position (GRCh38, 1-based): chr6:75,102,692, C>A on the plus strand (G>T on the coding strand, the complement: COL12A1 is on the minus strand). VCF-style: chr6-75102692-C-A. GRCh37 (hg19) VCF-style: chr6-75812408-C-A.
Other names: NC_000006.11:g.75812408C>A; c.4828G>T, p.Gly1610Trp (NM_080645.3); short protein forms G1610W, G2774W.
Identifiers: ClinVar variation 961709 (VCV000961709.2), dbSNP rs1768363255, ClinGen allele CA364739829.
Genomic context (GRCh38, chr6:75,102,692, plus strand): 5'-GAGGGCCTGGAGGACCCTGGGGGCCTGGAGGACCTATGTCTCCACGAGGACCAGGGGGCC[C>A]CTAAAATACACAAGAGAGAGACAACCACAAAGTAATGTAATACCTTTTCAGTGCTGACAT-3'
Protein context (NP_004361.3, residues 2764-2784): RGERGISGAI[Gly2774Trp]PPGPRGDIGP